The following is an entry in ClinVar:

ClinVar aggregate classification (germline): Uncertain significance (1 of 4 stars; one submission).

gnomAD v4.1: 7 of 1,614,212 alleles (0.00043%); highest among the groups gnomAD compares: Non-Finnish European, 0.00059%; no homozygotes.

Submission:

GeneDx
Classification: Uncertain significance. Last evaluated: 2024-04-04. Review status: criteria provided, single submitter. Criteria: GeneDx Variant Classification Process June 2021. Collection method: clinical testing. Allele origin: germline. Affected: yes.
Comment: Not observed at significant frequency in large population cohorts (gnomAD); In silico analysis supports that this missense variant has a deleterious effect on protein structure/function; Has not been previously published as pathogenic or benign to our knowledge

NM_004380.3(CREBBP):c.4055C>A (p.Pro1352His)

Gene: CREBBP (CREB binding protein; minus strand). Cytogenetic location: 16p13.3.
Variant type: single nucleotide variant.
Coding change: c.4055C>A on transcript NM_004380.3 (MANE Select); coding-DNA position 4055, C replaced by A.
Protein change: p.Pro1352His; replaces proline 1352 with histidine.
Molecular consequence: missense variant.
Genome position (GRCh38, 1-based): chr16:3,740,477, G>T on the plus strand (C>A on the coding strand, the complement: CREBBP is on the minus strand). VCF-style: chr16-3740477-G-T. GRCh37 (hg19) VCF-style: chr16-3790478-G-T.
Other names: c.3941C>A, p.Pro1314His (NM_001079846.1); short protein forms P1314H, P1352H.
Identifiers: ClinVar variation 3371990 (VCV003371990.1).